The following is an entry in ClinVar:

NM_178822.5(IGSF10):c.1806T>G (p.Asp602Glu)

Gene: IGSF10 (immunoglobulin superfamily member 10; minus strand). Cytogenetic location: 3q25.1.
Variant type: single nucleotide variant.
Coding change: c.1806T>G on transcript NM_178822.5 (MANE Select); coding-DNA position 1806, T replaced by G.
Protein change: p.Asp602Glu; replaces aspartic acid 602 with glutamic acid.
Molecular consequence: missense variant.
Genome position (GRCh38, 1-based): chr3:151,448,175, A>C on the plus strand (T>G on the coding strand, the complement: IGSF10 is on the minus strand). VCF-style: chr3-151448175-A-C. GRCh37 (hg19) VCF-style: chr3-151165963-A-C.
Other names: c.1806T>G, p.Asp602Glu (NM_001385060.1, NM_001385061.1, NM_001385062.1 and 1 more transcripts); short protein forms D602E.
Identifiers: ClinVar variation 1424793 (VCV001424793.6), dbSNP rs2108555301, ClinGen allele CA355001584.

ClinVar aggregate classification (germline): Uncertain significance (1 of 4 stars; one submission).

Submission:

Labcorp Genetics (formerly Invitae), Labcorp
Classification: Uncertain significance. Last evaluated: 2021-11-06. Review status: criteria provided, single submitter. Criteria: Invitae Variant Classification Sherloc (09022015). Collection method: clinical testing. Allele origin: germline.
Comment: In summary, the available evidence is currently insufficient to determine the role of this variant in disease. Therefore, it has been classified as a Variant of Uncertain Significance. Algorithms developed to predict the effect of missense changes on protein structure and function are either unavailable or do not agree on the potential impact of this missense change (SIFT: "Tolerated"; PolyPhen-2: "Probably Damaging"; Align-GVGD: "Class C0"). This sequence change replaces aspartic acid, which is acidic and polar, with glutamic acid, which is acidic and polar, at codon 602 of the IGSF10 protein (p.Asp602Glu). This variant is not present in population databases (gnomAD no frequency). This variant has not been reported in the literature in individuals affected with IGSF10-related conditions.